The following is an entry in ClinVar:

ClinVar aggregate classification (germline): Uncertain significance (1 of 4 stars; one submission).

Submission:

GeneDx
Classification: Uncertain significance. Last evaluated: 2023-05-09. Review status: criteria provided, single submitter. Criteria: GeneDx Variant Classification Process June 2021. Collection method: clinical testing. Allele origin: germline. Affected: yes.
Comment: Not observed at significant frequency in large population cohorts (gnomAD); In silico analysis supports that this missense variant does not alter protein structure/function; Has not been previously published as pathogenic or benign to our knowledge

NM_001291303.3(FAT4):c.4469A>G (p.Asn1490Ser)

Gene: FAT4 (FAT atypical cadherin 4; plus strand). Cytogenetic location: 4q28.1.
Variant type: single nucleotide variant.
Coding change: c.4469A>G on transcript NM_001291303.3 (MANE Select); coding-DNA position 4469, A replaced by G.
Protein change: p.Asn1490Ser; replaces asparagine 1490 with serine.
Molecular consequence: missense variant.
Genome position (GRCh38, 1-based): chr4:125,320,880, A>G. VCF-style: chr4-125320880-A-G. GRCh37 (hg19) VCF-style: chr4-126242035-A-G.
Other names: c.4469A>G, p.Asn1490Ser (NM_001291285.3, NM_024582.6); short protein forms N1490S.
Identifiers: ClinVar variation 3343302 (VCV003343302.1).
Genomic context (GRCh38, chr4:125,320,880, plus strand): 5'-CCATAGATGAAGTCAAAGGGACTATATATACTAATGCTGAAATAGATCGGGAATTTGCTA[A>G]TCTCTTTGAGTTGACTGTAAAAGCCAATGATCAAGCTGTGCCAATAGAAACTAGACGGTA-3'
Protein context (NP_001278232.1, residues 1480-1500): TNAEIDREFA[Asn1490Ser]LFELTVKAND